The following is an entry in ClinVar:

NM_000138.5(FBN1):c.*1341C>T

Gene: FBN1 (fibrillin 1; minus strand). Cytogenetic location: 15q21.1.
Variant type: single nucleotide variant.
Coding change: c.*1341C>T on transcript NM_000138.5 (MANE Select); 1341 bases downstream of the stop codon, C replaced by T.
Molecular consequence: 3 prime UTR variant.
Genome position (GRCh38, 1-based): chr15:48,409,649, G>A on the plus strand (C>T on the coding strand, the complement: FBN1 is on the minus strand). VCF-style: chr15-48409649-G-A. GRCh37 (hg19) VCF-style: chr15-48701846-G-A.
Identifiers: ClinVar variation 884892 (VCV000884892.34), dbSNP rs766719764, ClinGen allele CA269518447.

ClinVar aggregate classification (germline): Conflicting classifications of pathogenicity. Review status: criteria provided, conflicting classifications (1 of 4 stars). 7 submissions from 2 submitters: Uncertain significance (6); Benign (1). Last evaluated 2022-08-01.

Conditions:
Acromicric dysplasia (ACMICD). Also called: Acromicric skeletal dysplasia. Identifiers: Orphanet 969, MedGen C0265287, MONDO:0007055, OMIM 102370.
Weill-Marchesani syndrome. Also called: WM Syndrome; Mesodermal dysmorphodystrophy congenital. Identifiers: Orphanet 3449, MedGen C0265313, MONDO:0018096.
Familial thoracic aortic aneurysm and aortic dissection (TAAD). Also called: Thoracic aortic aneurysms and dissections. Identifiers: Orphanet 91387, MedGen C4707243, MONDO:0019625.
Stiff skin syndrome (SSKS). Identifiers: Orphanet 2833, MedGen C1861456, MONDO:0008492, OMIM 184900.
Marfan syndrome (MFS). Also called: FBN1-Related Marfan Syndrome; MARFAN SYNDROME, TYPE I; Marfan syndrome type 1; Marfan's syndrome; Marfan syndrome, classic. Identifiers: Orphanet 284963, Orphanet 558, MedGen C0024796, MONDO:0007947, OMIM 154700.
Ectopia lentis 1, isolated, autosomal dominant (ECTOL1). Identifiers: Orphanet 1885, MedGen C3541518, MONDO:0007514, OMIM 129600.

Allele frequency attached by ClinVar (database versions not stated): 1000 Genomes Project 30x 0.00016; gnomAD 0.00056 and 0.00061; TOPMed 0.00062.

Submissions (7):

CeGaT Center for Human Genetics Tuebingen
Classification: Benign. Last evaluated: 2022-08-01. Review status: criteria provided, single submitter. Criteria: CeGaT Center For Human Genetics Tuebingen Variant Classification Criteria Version 2. Collection method: clinical testing. Allele origin: germline. Affected: yes. Observed: 2 variant alleles.
Comment: FBN1: BS1, BS2

Illumina Laboratory Services, Illumina
Classification: Uncertain significance for Familial thoracic aortic aneurysm and aortic dissection. Last evaluated: 2018-03-30. Review status: criteria provided, single submitter. Criteria: ICSL Variant Classification Criteria 13 December 2019. Collection method: clinical testing. Allele origin: germline.

Illumina Laboratory Services, Illumina
Classification: Uncertain significance for Ectopia lentis 1, isolated, autosomal dominant. Last evaluated: 2018-03-30. Review status: criteria provided, single submitter. Criteria: ICSL Variant Classification Criteria 13 December 2019. Collection method: clinical testing. Allele origin: germline.

Illumina Laboratory Services, Illumina
Classification: Uncertain significance for Weill-Marchesani syndrome. Last evaluated: 2018-03-30. Review status: criteria provided, single submitter. Criteria: ICSL Variant Classification Criteria 13 December 2019. Collection method: clinical testing. Allele origin: germline.

Illumina Laboratory Services, Illumina
Classification: Uncertain significance for Stiff skin syndrome. Last evaluated: 2018-03-30. Review status: criteria provided, single submitter. Criteria: ICSL Variant Classification Criteria 13 December 2019. Collection method: clinical testing. Allele origin: germline.

Illumina Laboratory Services, Illumina
Classification: Uncertain significance for Acromicric dysplasia. Last evaluated: 2018-03-30. Review status: criteria provided, single submitter. Criteria: ICSL Variant Classification Criteria 13 December 2019. Collection method: clinical testing. Allele origin: germline.

Illumina Laboratory Services, Illumina
Classification: Uncertain significance for Marfan syndrome. Last evaluated: 2018-03-30. Review status: criteria provided, single submitter. Criteria: ICSL Variant Classification Criteria 13 December 2019. Collection method: clinical testing. Allele origin: germline.